The following is an entry in ClinVar:

NM_024422.6(DSC2):c.1521-1G>A

Gene: DSC2 (desmocollin 2; minus strand). Cytogenetic location: 18q12.1.
Variant type: single nucleotide variant.
Coding change: c.1521-1G>A on transcript NM_024422.6 (MANE Select); the canonical splice acceptor site of the intron before coding-DNA position 1521, G replaced by A.
Molecular consequence: splice acceptor variant.
Genome position (GRCh38, 1-based): chr18:31,079,990, C>T on the plus strand (G>A on the coding strand, the complement: DSC2 is on the minus strand). VCF-style: chr18-31079990-C-T. GRCh37 (hg19) VCF-style: chr18-28659956-C-T.
Other names: c.1521-1G>A (NM_004949.5); c.1092-1G>A (NM_001406506.1, NM_001406507.1).
Identifiers: ClinVar variation 264340 (VCV000264340.7), dbSNP rs886039128, ClinGen allele CA10587910.

ClinVar aggregate classification (germline): Likely pathogenic. Review status: criteria provided, multiple submitters, no conflicts (2 of 4 stars). 2 submissions from 2 submitters: Likely pathogenic (2). Last evaluated 2026-01-26.

Conditions:
Cardiovascular phenotype. Identifiers: MedGen CN230736.

Submissions (2):

GeneDx
Classification: Likely pathogenic. Last evaluated: 2026-01-26. Review status: criteria provided, single submitter. Criteria: GeneDx Variant Classification Process June 2021. Collection method: clinical testing. Allele origin: germline.
Comment: Reported in one patient from a cohort of patients with cardiomyopathy; however, no detailed clinical information was provided (PMID: 36396199); Canonical splice site variant predicted to result in a null allele in a gene for which loss of function is a known mechanism of disease; Not observed at significant frequency in large population cohorts (gnomAD); This variant is associated with the following publications: (PMID: 36396199)

Ambry Genetics
Classification: Likely pathogenic for Cardiovascular phenotype. Last evaluated: 2015-09-10. Review status: criteria provided, single submitter. Criteria: Ambry Variant Classification Scheme 2023. Collection method: clinical testing. Allele origin: germline.
Comment: The c.1521-1G>A intronic variant results from a G to A substitution one nucleotide upstream from coding exon 11 of the DSC2 gene. This nucleotide position is highly conserved in available vertebrate species. Using the BDGP and ESEfinder splice site prediction tools, this alteration is predicted to abolish the native acceptor site; however, direct evidence is unavailable. Alterations that disrupt the canonical splice site are expected to cause aberrant splicing, resulting in an abnormal protein or a transcript that is subject to nonsense-mediated mRNA decay, and splice and other loss-of-function variants have been previously described in the DSC2 gene (Heuser A, Am J Hum Genet. 2006; 79(6):1081-8). As such, the c.1521-1G>A variant is classified as likely pathogenic.

Literature cited by the submitters: PubMed 17186466 (cited by Ambry Genetics).